The following is an entry in ClinVar:

ClinVar aggregate classification (germline): Uncertain significance (1 of 4 stars; one submission).

Allele frequency attached by ClinVar (database versions not stated): gnomAD exomes below 0.00001; gnomAD 0.00001.

Submission:

Labcorp Genetics (formerly Invitae), Labcorp
Classification: Uncertain significance. Last evaluated: 2023-07-07. Review status: criteria provided, single submitter. Criteria: Invitae Variant Classification Sherloc (09022015). Collection method: clinical testing. Allele origin: germline.
Comment: In summary, the available evidence is currently insufficient to determine the role of this variant in disease. Therefore, it has been classified as a Variant of Uncertain Significance. Advanced modeling of protein sequence and biophysical properties (such as structural, functional, and spatial information, amino acid conservation, physicochemical variation, residue mobility, and thermodynamic stability) performed at Invitae indicates that this missense variant is expected to disrupt COL9A3 protein function. This variant has not been reported in the literature in individuals affected with COL9A3-related conditions. This variant is not present in population databases (gnomAD no frequency). This sequence change replaces glycine, which is neutral and non-polar, with arginine, which is basic and polar, at codon 563 of the COL9A3 protein (p.Gly563Arg).

NM_001853.4(COL9A3):c.1687G>A (p.Gly563Arg)

Gene: COL9A3 (collagen type IX alpha 3 chain; plus strand). Cytogenetic location: 20q13.33.
Variant type: single nucleotide variant.
Coding change: c.1687G>A on transcript NM_001853.4 (MANE Select); coding-DNA position 1687, G replaced by A.
Protein change: p.Gly563Arg; replaces glycine 563 with arginine.
Molecular consequence: missense variant.
Genome position (GRCh38, 1-based): chr20:62,837,166, G>A. VCF-style: chr20-62837166-G-A. GRCh37 (hg19) VCF-style: chr20-61468518-G-A.
Other names: short protein forms G563R.
Identifiers: ClinVar variation 2737619 (VCV002737619.3), dbSNP rs2063643245, ClinGen allele CA409599304.